The following is an entry in ClinVar:

NM_015215.4(CAMTA1):c.205A>G (p.Lys69Glu)

Gene: CAMTA1 (calmodulin binding transcription activator 1; plus strand). Cytogenetic location: 1p36.31.
Variant type: single nucleotide variant.
Coding change: c.205A>G on transcript NM_015215.4 (MANE Select); coding-DNA position 205, A replaced by G.
Protein change: p.Lys69Glu; replaces lysine 69 with glutamic acid.
Molecular consequence: missense variant. On other transcripts: non-coding transcript variant (4).
Genome position (GRCh38, 1-based): chr1:6,825,181, A>G. VCF-style: chr1-6825181-A-G. GRCh37 (hg19) VCF-style: chr1-6885241-A-G.
Other names: c.205A>G, p.Lys69Glu (NM_001195563.2, NM_001242701.2, NM_001349609.2 and 3 more transcripts); c.115A>G, p.Lys39Glu (NM_001349608.2, NM_001349612.2); c.241A>G, p.Lys81Glu (NM_001349627.2); short protein forms K39E, K69E, K81E.
Identifiers: ClinVar variation 5020669 (VCV005020669.1).

ClinVar aggregate classification (germline): Uncertain significance (1 of 4 stars; one submission).

Submission:

Dasa
Classification: Uncertain significance. Last evaluated: 2026-04-21. Review status: criteria provided, single submitter. Criteria: DASA Assertion Criteria. Collection method: clinical testing. Allele origin: germline.
Comment: NM_015215.4(CAMTA1):c.205A>G (p.Lys69Glu) is a missense variant that results in the substitution of lysine with glutamic acid. This variant is absent from population databases. The currently available literature and clinical evidence are not sufficient to establish a definitive association between this variant and the reported condition. Therefore, this variant is classified as a variant of uncertain significance.